The following is an entry in ClinVar:

ClinVar aggregate classification (germline): Pathogenic. Review status: criteria provided, multiple submitters, no conflicts (2 of 4 stars). 2 submissions from 2 submitters: Pathogenic (2). Last evaluated 2021-11-07.

Conditions:
Microcephaly, normal intelligence and immunodeficiency (NBS). Also called: BERLIN BREAKAGE SYNDROME; Ataxia telangiectasia variant V1; IMMUNODEFICIENCY, MICROCEPHALY, AND CHROMOSOMAL INSTABILITY; SEEMANOVA SYNDROME II; Immunodeficiency, microcephaly with normal intelligence; Nijmegen breakage syndrome. Identifiers: Orphanet 647, MedGen C0398791, MONDO:0009623, OMIM 251260.

Submissions (2):

Genome-Nilou Lab
Classification: Pathogenic for Microcephaly, normal intelligence and immunodeficiency. Last evaluated: 2021-11-07. Review status: criteria provided, single submitter. Criteria: ACMG Guidelines, 2015. Collection method: clinical testing. Allele origin: germline. Affected: no.

Labcorp Genetics (formerly Invitae), Labcorp
Classification: Pathogenic for Microcephaly, normal intelligence and immunodeficiency. Last evaluated: 2021-10-06. Review status: criteria provided, single submitter. Criteria: Invitae Variant Classification Sherloc (09022015). Collection method: clinical testing. Allele origin: germline.
Comment: This sequence change creates a premature translational stop signal (p.Arg456Glufs*28) in the NBN gene. It is expected to result in an absent or disrupted protein product. Loss-of-function variants in NBN are known to be pathogenic (PMID: 9590180, 16415040). This variant is not present in population databases (ExAC no frequency). This variant has not been reported in the literature in individuals affected with NBN-related conditions. ClinVar contains an entry for this variant (Variation ID: 492090). For these reasons, this variant has been classified as Pathogenic.

Literature cited by the submitters: PubMed 9590180 (cited by Labcorp Genetics (formerly Invitae), Labcorp); PubMed 16415040 (cited by Labcorp Genetics (formerly Invitae), Labcorp).

NM_002485.5(NBN):c.1366del (p.Arg456fs)

Gene: NBN (nibrin; minus strand). Cytogenetic location: 8q21.3.
Variant type: Deletion.
Coding change: c.1366del on transcript NM_002485.5 (MANE Select); coding-DNA position 1366, one base deleted (A; older notation c.1366delA).
Protein change: p.Arg456fs; shifts the reading frame from arginine 456.
Molecular consequence: frameshift variant.
Genome position (GRCh38, 1-based): chr8:89,955,314, T deleted on the plus strand (A on the coding strand, the reverse complement: NBN is on the minus strand). VCF-style (leftmost placement, unchanged base first): chr8-89955313-CT-C. GRCh37 (hg19) VCF-style: chr8-90967541-CT-C.
Other names: c.1366delA (NM_002485.4); c.1120del, p.Arg374fs (NM_001024688.3); short protein forms R456fs, R374fs.
Identifiers: ClinVar variation 492090 (VCV000492090.13), dbSNP rs1554559038, ClinGen allele CA658683532.
Genomic context (GRCh38, chr8:89,955,313, plus strand): 5'-GAGACATGAGAGAAGTTATCAAAAACAGACCTTTTTTTGGTAGACGGCTGAAAGTAGTTT[CT>C]GATGGAGTTGGTCTGCTGCTGCTGAGAAGCCCTATCTTTACTTTTATTTATACTTGGCAA-3'